The following is an entry in ClinVar:

NM_000038.6(APC):c.7380T>G (p.Ala2460=)

Gene: APC (APC regulator of Wnt signaling pathway; plus strand). Cytogenetic location: 5q22.2.
Variant type: single nucleotide variant.
Coding change: c.7380T>G on transcript NM_000038.6 (MANE Select); coding-DNA position 7380, T replaced by G.
Protein change: p.Ala2460=; no amino-acid change (alanine 2460 retained).
Molecular consequence: synonymous variant.
Genome position (GRCh38, 1-based): chr5:112,842,974, T>G. VCF-style: chr5-112842974-T-G. GRCh37 (hg19) VCF-style: chr5-112178671-T-G.
Other names: c.7380T>G, p.Ala2460= (NM_001127510.3, NM_001354895.2); c.7326T>G, p.Ala2442= (NM_001127511.3); c.7434T>G, p.Ala2478= (NM_001354896.2); c.7410T>G, p.Ala2470= (NM_001354897.2); c.7305T>G, p.Ala2435= (NM_001354898.2); c.7296T>G, p.Ala2432= (NM_001354899.2); c.7257T>G, p.Ala2419= (NM_001354900.2); c.7203T>G, p.Ala2401= (NM_001354901.2); and 5 more.
Identifiers: ClinVar variation 416752 (VCV000416752.16), dbSNP rs1060504889, ClinGen allele CA16611738.
Genomic context (GRCh38, chr5:112,842,974, plus strand): 5'-GTCAACTTTCATCAAAGAAGCTCCAAGCCCAACCTTAAGAAGAAAATTGGAGGAATCTGC[T>G]TCATTTGAATCTCTTTCTCCATCATCTAGACCAGCTTCTCCCACTAGGTCCCAGGCACAA-3'
Protein context (NP_000029.2, residues 2450-2470): PTLRRKLEES[Ala2460=]SFESLSPSSR

ClinVar aggregate classification (germline): Benign/Likely benign. Review status: criteria provided, multiple submitters, no conflicts (2 of 4 stars). 3 submissions from 3 submitters: Benign (1); Likely benign (2). Last evaluated 2026-01-31.

Conditions:
Familial adenomatous polyposis 1 (FAP1). Also called: FAMILIAL ADENOMATOUS POLYPOSIS 1, ATTENUATED; POLYPOSIS, ADENOMATOUS INTESTINAL. Identifiers: MedGen C2713442, MONDO:0021056, OMIM 175100. Disease mechanism: loss of function.
Hereditary cancer-predisposing syndrome. Also called: Tumor predisposition; Neoplastic Syndromes, Hereditary; Hereditary neoplastic syndrome; Hereditary Cancer Syndrome. Identifiers: Orphanet 140162, MedGen C0027672, MeSH D009386, MONDO:0015356.

Allele frequency attached by ClinVar (database versions not stated): TOPMed below 0.00001.

Submissions (3):

Labcorp Genetics (formerly Invitae), Labcorp
Classification: Likely benign for Familial adenomatous polyposis 1. Last evaluated: 2026-01-31. Review status: criteria provided, single submitter. Criteria: Invitae Variant Classification Sherloc (09022015). Collection method: clinical testing. Allele origin: germline.

Myriad Genetics, Inc.
Classification: Benign for Familial adenomatous polyposis 1. Last evaluated: 2024-04-09. Review status: criteria provided, single submitter. Criteria: Myriad Autosomal Dominant, Autosomal Recessive and X-Linked Classification Criteria (2023). Collection method: clinical testing. Allele origin: unknown.
Comment: This variant is considered benign. This variant is a silent/synonymous amino acid change and it is not expected to impact splicing.

Ambry Genetics
Classification: Likely benign for Hereditary cancer-predisposing syndrome. Last evaluated: 2020-05-18. Review status: criteria provided, single submitter. Criteria: Ambry Variant Classification Scheme 2023. Collection method: clinical testing. Allele origin: germline.